The following is an entry in ClinVar:

NM_053004.3(GNB1L):c.763G>A (p.Gly255Arg)

Gene: GNB1L (G protein subunit beta 1 like; minus strand). Cytogenetic location: 22q11.21.
Variant type: single nucleotide variant.
Coding change: c.763G>A on transcript NM_053004.3 (MANE Select); coding-DNA position 763, G replaced by A.
Protein change: p.Gly255Arg; replaces glycine 255 with arginine.
Molecular consequence: missense variant.
Genome position (GRCh38, 1-based): chr22:19,788,930, C>T on the plus strand (G>A on the coding strand, the complement: GNB1L is on the minus strand). VCF-style: chr22-19788930-C-T. GRCh37 (hg19) VCF-style: chr22-19776453-C-T.
Other names: short protein forms G255R.
Identifiers: ClinVar variation 560238 (VCV000560238.3), dbSNP rs543257514, ClinGen allele CA10103003.
Genomic context (GRCh38, chr22:19,788,930, plus strand): 5'-GGTCCCAGCCTGCGGTGGCCAGGATCTTGCGATCTGGCCGGATCGTGACCTCGGCGATCC[C>T]GGGATTGGTGAGTTCATGAGTCCCACGCACCTGTGAGAGTTGGGAGAGGTGTTAGGCCAC-3'
Protein context (NP_443730.1, residues 245-265): VRGTHELTNP[Gly255Arg]IAEVTIRPDR

ClinVar aggregate classification (germline): Uncertain significance (1 of 4 stars; one submission).

Allele frequency attached by ClinVar (database versions not stated): gnomAD exomes 0.00002 and 0.00003; ExAC 0.00003; TOPMed 0.00004; gnomAD 0.00005; 1000 Genomes Project 30x 0.00016; 1000 Genomes Project 0.00020.
gnomAD v4.1: 52 of 1,610,358 alleles (0.0032%); highest among the groups gnomAD compares: Non-Finnish European, 0.004%; no homozygotes.

Submission:

Geisinger Autism and Developmental Medicine Institute, Geisinger Health System
Classification: Uncertain significance. Last evaluated: 2017-05-25. Review status: criteria provided, single submitter. Criteria: ACMG Guidelines, 2015. Collection method: provider interpretation, clinical testing. Allele origin: paternal. Observed: 1 variant allele.
Comment: This p.Gly255Arg variant is present in the gnomAD non-Finnish European population at a frequency of 0.0057%. Computational models are predict it to be deleterious. Human disorders have not been clearly associated with the GNB1L gene, although it has been implicated as potentially involved in neurodevelopmental and psychiatric phenotypes (Chen, 2012). Whole exome sequencing identified 2 additional variants of uncertain significance.

Literature cited by the submitters: PubMed 22095694.